The following is an entry in ClinVar:

ClinVar aggregate classification (germline): Conflicting classifications of pathogenicity. Review status: criteria provided, conflicting classifications (1 of 4 stars). 2 submissions from 2 submitters: Pathogenic (1); Uncertain significance (1). Last evaluated 2025-12-09.

Conditions:
Hereditary cancer-predisposing syndrome. Also called: Neoplastic Syndromes, Hereditary; Tumor predisposition; Hereditary Cancer Syndrome; Hereditary neoplastic syndrome. Identifiers: Orphanet 140162, MedGen C0027672, MeSH D009386, MONDO:0015356.

Submissions (2):

Labcorp Genetics (formerly Invitae), Labcorp
Classification: Pathogenic. Last evaluated: 2025-12-09. Review status: criteria provided, single submitter. Criteria: Invitae Variant Classification Sherloc (09022015). Collection method: clinical testing. Allele origin: germline.
Comment: This sequence change creates a premature translational stop signal (p.Ala730Tyrfs*57) in the POLE gene. It is expected to result in an absent or disrupted protein product. Loss-of-function variants in POLE are known to be pathogenic (PMID: 23230001, 25948378, 30503519). Information on the frequency of this variant in the gnomAD database is not available, as this variant may be reported differently in the database. This variant has not been reported in the literature in individuals affected with POLE-related conditions. For these reasons, this variant has been classified as Pathogenic.

Ambry Genetics
Classification: Uncertain significance for Hereditary cancer-predisposing syndrome. Last evaluated: 2025-03-14. Review status: criteria provided, single submitter. Criteria: Ambry Variant Classification Scheme 2023. Collection method: clinical testing. Allele origin: germline.
Comment: The c.2187_1999del13insGT variant, located in coding exon 20 of the POLE gene, results from the deletion of 13 nucleotides and insertion of two nucleotides causing a translational frameshift with a predicted alternate stop codon (p.A730Yfs*57). This alteration is expected to result in loss of function by premature protein truncation or nonsense-mediated mRNA decay. Although biallelic loss of function of POLE has been associated with autosomal recessive POLE deficiency, haploinsufficiency of POLE has not been established as a mechanism of disease for POLE-related polymerase proofreading-associated polyposis (PPAP) and POLE-related CMMRD-like syndrome. Based on the supporting evidence, this variant is expected to be causative of POLE deficiency when present along with a second pathogenic variant on the other allele; however, its clinical significance for PPAP and POLE-related CMMRD-like syndrome is unclear.

Literature cited by the submitters: PubMed 23230001 (cited by Labcorp Genetics (formerly Invitae), Labcorp); PubMed 25948378 (cited by Labcorp Genetics (formerly Invitae), Labcorp); PubMed 30503519 (cited by Labcorp Genetics (formerly Invitae), Labcorp).

NM_006231.4(POLE):c.2187_2199delinsGT (p.Ala730fs)

Gene: POLE (DNA polymerase epsilon, catalytic subunit; minus strand). Cytogenetic location: 12q24.33.
Variant type: Indel.
Coding change: c.2187_2199delinsGT on transcript NM_006231.4 (MANE Select); coding-DNA positions 2187 to 2199, AGCCTACAAGAAG replaced by GT.
Protein change: p.Ala730fs; shifts the reading frame from alanine 730.
Molecular consequence: frameshift variant.
Genome position (GRCh38, 1-based): chr12:132,667,623-132,667,635, CTTCTTGTAGGCT replaced by AC on the plus strand (AGCCTACAAGAAG replaced by GT on the coding strand, the reverse complement: POLE is on the minus strand). VCF-style: chr12-132667623-CTTCTTGTAGGCT-AC. GRCh37 (hg19) VCF-style: chr12-133244209-CTTCTTGTAGGCT-AC.
Other names: short protein forms A730fs.
Identifiers: ClinVar variation 484580 (VCV000484580.12), dbSNP rs1555227130, ClinGen allele CA658658198.